The following is an entry in ClinVar:

ClinVar aggregate classification (germline): Uncertain significance (1 of 4 stars; one submission).

Submission:

CeGaT Center for Human Genetics Tuebingen
Classification: Uncertain significance. Last evaluated: 2026-04-01. Review status: criteria provided, single submitter. Criteria: CeGaT Center For Human Genetics Tuebingen Variant Classification Criteria Version 2. Collection method: clinical testing. Allele origin: germline. Affected: yes. Observed: 1 variant allele.
Comment: MYO15A: PM2

NM_016239.4(MYO15A):c.9229+5G>A

Gene: MYO15A (myosin XVA; plus strand). Cytogenetic location: 17p11.2.
Variant type: single nucleotide variant.
Coding change: c.9229+5G>A on transcript NM_016239.4 (MANE Select); 5 bases into the intron after coding-DNA position 9229, G replaced by A.
Molecular consequence: intron variant.
Genome position (GRCh38, 1-based): chr17:18,159,352, G>A. VCF-style: chr17-18159352-G-A. GRCh37 (hg19) VCF-style: chr17-18062666-G-A.
Identifiers: ClinVar variation 4872213 (VCV004872213.2).